The following is an entry in ClinVar:

ClinVar aggregate classification (germline): Likely benign (0 of 4 stars; one submission).

Conditions:
ALDH1A3-related disorder. Also called: ALDH1A3-related condition.

Allele frequency attached by ClinVar (database versions not stated): gnomAD exomes 0.00001; ExAC 0.00005.
gnomAD v4.1: 13 of 1,613,278 alleles (0.00081%); highest among the groups gnomAD compares: South Asian, 0.011%; no homozygotes.

Submission:

PreventionGenetics, part of Exact Sciences
Classification: Likely benign for ALDH1A3-related condition. Last evaluated: 2019-05-28. Review status: no assertion criteria provided. Collection method: clinical testing. Allele origin: germline.
Comment: This variant is classified as likely benign based on ACMG/AMP sequence variant interpretation guidelines (Richards et al. 2015 PMID: 25741868, with internal and published modifications).

NM_000693.4(ALDH1A3):c.781-6C>T

Genes: ALDH1A3 (aldehyde dehydrogenase 1 family member A3; plus strand), ALDH1A3-AS1 (ALDH1A3 antisense RNA 1; minus strand). Cytogenetic location: 15q26.3.
Variant type: single nucleotide variant.
Coding change: c.781-6C>T on transcript NM_000693.4 (MANE Select); 6 bases into the intron before coding-DNA position 781, C replaced by T.
Molecular consequence: intron variant.
Genome position (GRCh38, 1-based): chr15:100,898,077, C>T. VCF-style: chr15-100898077-C-T. GRCh37 (hg19) VCF-style: chr15-101438282-C-T.
Other names: c.460-6C>T (NM_001293815.2).
Identifiers: ClinVar variation 3039469 (VCV003039469.2), dbSNP rs749166810, ClinGen allele CA7760207.